The following is an entry in ClinVar:

NM_001134363.3(RBM20):c.68C>T (p.Ala23Val)

Gene: RBM20 (RNA binding motif protein 20; plus strand). Cytogenetic location: 10q25.2.
Variant type: single nucleotide variant.
Coding change: c.68C>T on transcript NM_001134363.3 (MANE Select); coding-DNA position 68, C replaced by T.
Protein change: p.Ala23Val; replaces alanine 23 with valine.
Molecular consequence: missense variant.
Genome position (GRCh38, 1-based): chr10:110,644,522, C>T. VCF-style: chr10-110644522-C-T. GRCh37 (hg19) VCF-style: chr10-112404280-C-T.
Other names: c.68C>T (LRG_382t1); short protein forms A23V.
Identifiers: ClinVar variation 430042 (VCV000430042.7), dbSNP rs925693368, ClinGen allele CA213903188.

ClinVar aggregate classification (germline): Uncertain significance. Review status: criteria provided, multiple submitters, no conflicts (2 of 4 stars). 3 submissions from 3 submitters: Uncertain significance (3). Last evaluated 2024-05-19.

Conditions:
Dilated cardiomyopathy 1DD (CMD1DD). Identifiers: Orphanet 154, MedGen C2750995, MONDO:0013168, OMIM 613172.
Cardiovascular phenotype. Identifiers: MedGen CN230736.

gnomAD v4.1: 3 of 1,529,706 alleles (0.0002%); highest among the groups gnomAD compares: Admixed American, 0.002%; no homozygotes.

Submissions (3):

Ambry Genetics
Classification: Uncertain significance for Cardiovascular phenotype. Last evaluated: 2024-05-19. Review status: criteria provided, single submitter. Criteria: Ambry Variant Classification Scheme 2023. Collection method: clinical testing. Allele origin: germline.
Comment: The p.A23V variant (also known as c.68C>T), located in coding exon 1 of the RBM20 gene, results from a C to T substitution at nucleotide position 68. The alanine at codon 23 is replaced by valine, an amino acid with similar properties. This amino acid position is conserved. In addition, the in silico prediction for this alteration is inconclusive. Based on the available evidence, the clinical significance of this variant remains unclear.

Labcorp Genetics (formerly Invitae), Labcorp
Classification: Uncertain significance for Dilated cardiomyopathy 1DD. Last evaluated: 2023-07-25. Review status: criteria provided, single submitter. Criteria: Invitae Variant Classification Sherloc (09022015). Collection method: clinical testing. Allele origin: germline.
Comment: This variant is not present in population databases (gnomAD no frequency). This sequence change replaces alanine, which is neutral and non-polar, with valine, which is neutral and non-polar, at codon 23 of the RBM20 protein (p.Ala23Val). In summary, the available evidence is currently insufficient to determine the role of this variant in disease. Therefore, it has been classified as a Variant of Uncertain Significance. Advanced modeling of protein sequence and biophysical properties (such as structural, functional, and spatial information, amino acid conservation, physicochemical variation, residue mobility, and thermodynamic stability) performed at Invitae indicates that this missense variant is not expected to disrupt RBM20 protein function. ClinVar contains an entry for this variant (Variation ID: 430042). This missense change has been observed in individual(s) with clinical features of RBM20-related conditions (Invitae).

GeneDx
Classification: Uncertain significance. Last evaluated: 2017-05-12. Review status: criteria provided, single submitter. Criteria: GeneDx Variant Classification (06012015). Collection method: clinical testing. Allele origin: germline. Affected: yes.
Comment: The A23V variant of uncertain significance in the RBM20 gene has not been published as pathogenic or been reported as benign to our knowledge. The A23V variant is a conservative amino acid substitution, which is not likely to impact secondary protein structure as these residues share similar properties. Additionally, this variant is not located in the exon 9 hot-spot" region of the RBM20 gene, where many pathogenic variants are located (Brauch et al., 2009). Nevertheless, this substitution occurs at a position that is conserved in mammals. In silico analysis is inconsistent in its predictions as to whether or not the variant is damaging to the protein structure/function. Finally, data from control individuals was not available to assess whether A23V may be a common benign variant in the general population.Therefore, based on the currently available information, it is unclear whether this variant is pathogenic or rare benign."